The following is an entry in ClinVar:

ClinVar aggregate classification (germline): Uncertain significance. Review status: criteria provided, multiple submitters, no conflicts (2 of 4 stars). 3 submissions from 3 submitters: Uncertain significance (3). Last evaluated 2024-12-10.

Conditions:
Medium-chain acyl-coenzyme A dehydrogenase deficiency (ACADMD). Also called: MCADH DEFICIENCY; MCADD; CARNITINE DEFICIENCY SECONDARY TO MEDIUM-CHAIN ACYL-CoA DEHYDROGENASE DEFICIENCY; Medium chain acyl-CoA dehydrogenase deficiency; MCAD Deficiency; ACADM DEFICIENCY. Identifiers: Orphanet 42, MedGen C0220710, MONDO:0008721, OMIM 201450.
Inborn genetic diseases. Identifiers: MedGen C0950123, MeSH D030342.

Allele frequency attached by ClinVar (database versions not stated): TOPMed 0.00003; ExAC 0.00004; gnomAD exomes 0.00006.
gnomAD v4.1: 17 of 1,614,096 alleles (0.0011%); highest among the groups gnomAD compares: Admixed American, 0.028%; no homozygotes.

Submissions (3):

Ambry Genetics
Classification: Uncertain significance for Inborn genetic diseases. Last evaluated: 2024-12-10. Review status: criteria provided, single submitter. Criteria: Ambry Variant Classification Scheme 2023. Collection method: clinical testing. Allele origin: germline.

Labcorp Genetics (formerly Invitae), Labcorp
Classification: Uncertain significance for Medium-chain acyl-coenzyme A dehydrogenase deficiency. Last evaluated: 2022-06-13. Review status: criteria provided, single submitter. Criteria: Invitae Variant Classification Sherloc (09022015). Collection method: clinical testing. Allele origin: germline.
Comment: This sequence change replaces alanine, which is neutral and non-polar, with glycine, which is neutral and non-polar, at codon 341 of the ACADM protein (p.Ala341Gly). This variant is present in population databases (rs768440594, gnomAD 0.04%). This variant has not been reported in the literature in individuals affected with ACADM-related conditions. ClinVar contains an entry for this variant (Variation ID: 875361). Advanced modeling of protein sequence and biophysical properties (such as structural, functional, and spatial information, amino acid conservation, physicochemical variation, residue mobility, and thermodynamic stability) performed at Invitae indicates that this missense variant is expected to disrupt ACADM protein function. Algorithms developed to predict the effect of sequence changes on RNA splicing suggest that this variant may create or strengthen a splice site. In summary, the available evidence is currently insufficient to determine the role of this variant in disease. Therefore, it has been classified as a Variant of Uncertain Significance.

Illumina Laboratory Services, Illumina
Classification: Uncertain significance for Medium-chain acyl-coenzyme A dehydrogenase deficiency. Last evaluated: 2018-01-13. Review status: criteria provided, single submitter. Criteria: ICSL Variant Classification Criteria 13 December 2019. Collection method: clinical testing. Allele origin: germline.

NM_000016.6(ACADM):c.1022C>G (p.Ala341Gly)

Gene: ACADM (acyl-CoA dehydrogenase medium chain; plus strand). Cytogenetic location: 1p31.1.
Variant type: single nucleotide variant.
Coding change: c.1022C>G on transcript NM_000016.6 (MANE Select); coding-DNA position 1022, C replaced by G.
Protein change: p.Ala341Gly; replaces alanine 341 with glycine.
Molecular consequence: missense variant.
Genome position (GRCh38, 1-based): chr1:75,761,198, C>G. VCF-style: chr1-75761198-C-G. GRCh37 (hg19) VCF-style: chr1-76226883-C-G.
Other names: c.1034C>G, p.Ala345Gly (NM_001127328.3); c.914C>G, p.Ala305Gly (NM_001286042.2); c.1121C>G, p.Ala374Gly (NM_001286043.2); c.455C>G, p.Ala152Gly (NM_001286044.2); short protein forms A152G, A305G, A374G, A345G, A341G.
Identifiers: ClinVar variation 875361 (VCV000875361.8), dbSNP rs768440594, ClinGen allele CA913263.